The following is an entry in ClinVar:

NM_001430.5(EPAS1):c.1231A>T (p.Ile411Phe)

Gene: EPAS1 (endothelial PAS domain protein 1; plus strand). Cytogenetic location: 2p21.
Variant type: single nucleotide variant.
Coding change: c.1231A>T on transcript NM_001430.5 (MANE Select); coding-DNA position 1231, A replaced by T.
Protein change: p.Ile411Phe; replaces isoleucine 411 with phenylalanine.
Molecular consequence: missense variant.
Genome position (GRCh38, 1-based): chr2:46,376,735, A>T. VCF-style: chr2-46376735-A-T. GRCh37 (hg19) VCF-style: chr2-46603874-A-T.
Other names: short protein forms I411F.
Identifiers: ClinVar variation 2565040 (VCV002565040.2), dbSNP rs2546471745, ClinGen allele CA346703460.

ClinVar aggregate classification (germline): Uncertain significance (1 of 4 stars; one submission).

Conditions:
Inborn genetic diseases. Identifiers: MedGen C0950123, MeSH D030342.

Submission:

Ambry Genetics
Classification: Uncertain significance for Inborn genetic diseases. Last evaluated: 2023-03-23. Review status: criteria provided, single submitter. Criteria: Ambry Variant Classification Scheme 2023. Collection method: clinical testing. Allele origin: germline.
Comment: The p.I411F variant (also known as c.1231A>T), located in coding exon 9 of the EPAS1 gene, results from an A to T substitution at nucleotide position 1231. The isoleucine at codon 411 is replaced by phenylalanine, an amino acid with highly similar properties. This amino acid position is conserved. In addition, the in silico prediction for this alteration is inconclusive. Since supporting evidence is limited at this time, the clinical significance of this alteration remains unclear.